The following is an entry in ClinVar:

ClinVar aggregate classification (germline): Uncertain significance. Review status: criteria provided, multiple submitters, no conflicts (2 of 4 stars). 2 submissions from 2 submitters: Uncertain significance (2). Last evaluated 2026-05-03.

Conditions:
PKD1L1-related disorder. Also called: PKD1L1-related condition.
Inborn genetic diseases. Identifiers: MedGen C0950123, MeSH D030342.

Allele frequency attached by ClinVar (database versions not stated): TOPMed 0.00001; ExAC 0.00002; gnomAD exomes 0.00002; gnomAD 0.00003; ESP Exome Variant Server 0.00008.
gnomAD v4.1: 37 of 1,614,030 alleles (0.0023%); highest among the groups gnomAD compares: Middle Eastern, 0.016%; no homozygotes.

Submissions (2):

PreventionGenetics, part of Exact Sciences
Classification: Uncertain significance for PKD1L1-related condition. Last evaluated: 2026-05-03. Review status: criteria provided, single submitter. Criteria: ACMG Guidelines, 2015. Collection method: clinical testing. Allele origin: germline.
Comment: The PKD1L1 c.8006G>A variant is predicted to result in the amino acid substitution p.Arg2669Gln. To our knowledge, this variant has not been reported in the literature. This variant is reported in 0.013% of alleles in individuals of South Asian descent in gnomAD. At this time, the clinical significance of this variant is uncertain due to the absence of conclusive functional and genetic evidence.

Ambry Genetics
Classification: Uncertain significance for Inborn genetic diseases. Last evaluated: 2023-06-06. Review status: criteria provided, single submitter. Criteria: Ambry Variant Classification Scheme 2023. Collection method: clinical testing. Allele origin: germline.

NM_138295.5(PKD1L1):c.8006G>A (p.Arg2669Gln)

Genes: PKD1L1 (polycystin 1 like 1, transient receptor potential channel interacting; minus strand), PKD1L1-AS1 (PKD1L1 antisense RNA 1; plus strand). Cytogenetic location: 7p12.3.
Variant type: single nucleotide variant.
Coding change: c.8006G>A on transcript NM_138295.5 (MANE Select); coding-DNA position 8006, G replaced by A.
Protein change: p.Arg2669Gln; replaces arginine 2669 with glutamine.
Molecular consequence: missense variant.
Genome position (GRCh38, 1-based): chr7:47,800,836, C>T on the plus strand (G>A on the coding strand, the complement: PKD1L1 is on the minus strand). VCF-style: chr7-47800836-C-T. GRCh37 (hg19) VCF-style: chr7-47840434-C-T.
Other names: short protein forms R2669Q.
Identifiers: ClinVar variation 2524125 (VCV002524125.3), dbSNP rs369504382, ClinGen allele CA4251841.
Genomic context (GRCh38, chr7:47,800,836, plus strand): 5'-AGCCCGGGGAAGGCGTCTGTGAAGGTGCCAGGTGGTAGAACCCACATAGAGAGCAGAAAT[C>T]GGTGCAGGTGGGAGAGGGCGGCCAGCATCAGTGCCCCCACCAGCTGCAGAAAGAAAATCC-3'
Protein context (NP_612152.1, residues 2659-2679): LMLAALSHLH[Arg2669Gln]FLLSMWVLPP